The following is an entry in ClinVar:

ClinVar aggregate classification (germline): Uncertain significance (1 of 4 stars; one submission).

Conditions:
Developmental and epileptic encephalopathy, 53. Also called: Epileptic encephalopathy, early infantile, 53. Identifiers: MedGen C4479313, MONDO:0033362, OMIM 617389.
Early-onset Parkinson disease 20. Also called: PARKINSON DISEASE 20, AUTOSOMAL RECESSIVE EARLY-ONSET. Identifiers: Orphanet 391411, MedGen C3809824, MONDO:0014233, OMIM 615530.

Allele frequency attached by ClinVar (database versions not stated): gnomAD 0.00001; TOPMed 0.00002.
gnomAD v4.1: 5 of 1,535,422 alleles (0.00033%); highest among the groups gnomAD compares: African/African-American, 0.0028%; no homozygotes.

Submission:

Labcorp Genetics (formerly Invitae), Labcorp
Classification: Uncertain significance for Developmental and epileptic encephalopathy, 53; Early-onset Parkinson disease 20. Last evaluated: 2021-08-18. Review status: criteria provided, single submitter. Criteria: Invitae Variant Classification Sherloc (09022015). Collection method: clinical testing. Allele origin: germline.
Comment: The frequency data for this variant in the population databases is considered unreliable, as metrics indicate insufficient coverage at this position in the ExAC database. In summary, the available evidence is currently insufficient to determine the role of this variant in disease. Therefore, it has been classified as a Variant of Uncertain Significance. Algorithms developed to predict the effect of missense changes on protein structure and function are either unavailable or do not agree on the potential impact of this missense change (SIFT: "Deleterious"; PolyPhen-2: "Benign"; Align-GVGD: "Class C0"). This variant has not been reported in the literature in individuals affected with SYNJ1-related conditions. This sequence change replaces glycine with aspartic acid at codon 19 of the SYNJ1 protein (p.Gly19Asp). The glycine residue is weakly conserved and there is a moderate physicochemical difference between glycine and aspartic acid.

NM_203446.3(SYNJ1):c.-62G>A

Gene: SYNJ1 (synaptojanin 1; minus strand). Cytogenetic location: 21q22.11.
Variant type: single nucleotide variant.
Coding change: c.-62G>A on transcript NM_203446.3 (MANE Select); 62 bases upstream of the start codon, G replaced by A.
Molecular consequence: 5 prime UTR variant. On other transcripts: missense variant (1).
Genome position (GRCh38, 1-based): chr21:32,727,985, C>T on the plus strand (G>A on the coding strand, the complement: SYNJ1 is on the minus strand). VCF-style: chr21-32727985-C-T. GRCh37 (hg19) VCF-style: chr21-34100296-C-T.
Other names: c.56G>A, p.Gly19Asp (NM_003895.4); short protein forms G19D.
Identifiers: ClinVar variation 1364101 (VCV001364101.5), dbSNP rs984402214, ClinGen allele CA319437629.